The following is an entry in ClinVar:

NM_032043.3(BRIP1):c.1729A>G (p.Lys577Glu)

Gene: BRIP1 (BRCA1 interacting DNA helicase 1; minus strand). Cytogenetic location: 17q23.2.
Variant type: single nucleotide variant.
Coding change: c.1729A>G on transcript NM_032043.3 (MANE Select); coding-DNA position 1729, A replaced by G.
Protein change: p.Lys577Glu; replaces lysine 577 with glutamic acid.
Molecular consequence: missense variant.
Genome position (GRCh38, 1-based): chr17:61,780,905, T>C on the plus strand (A>G on the coding strand, the complement: BRIP1 is on the minus strand). VCF-style: chr17-61780905-T-C. GRCh37 (hg19) VCF-style: chr17-59858266-T-C.
Other names: short protein forms K577E.
Identifiers: ClinVar variation 819925 (VCV000819925.8), dbSNP rs1603334464, ClinGen allele CA400480373.

ClinVar aggregate classification (germline): Uncertain significance. Review status: criteria provided, multiple submitters, no conflicts (2 of 4 stars). 3 submissions from 3 submitters: Uncertain significance (3). Last evaluated 2024-03-06.

Conditions:
Hereditary cancer-predisposing syndrome. Also called: Neoplastic Syndromes, Hereditary; Tumor predisposition; Hereditary Cancer Syndrome; Hereditary neoplastic syndrome. Identifiers: Orphanet 140162, MedGen C0027672, MeSH D009386, MONDO:0015356.

Submissions (3):

Color Diagnostics, LLC DBA Color Health
Classification: Uncertain significance for Hereditary cancer-predisposing syndrome. Last evaluated: 2024-03-06. Review status: criteria provided, single submitter. Criteria: ACMG Guidelines, 2015. Collection method: clinical testing. Allele origin: germline.
Comment: This missense variant replaces lysine with glutamic acid at codon 577 of the BRIP1 protein. Computational prediction suggests that this variant may not impact protein structure and function (internally defined REVEL score threshold <= 0.5, PMID: 27666373). To our knowledge, functional studies have not been reported for this variant. This variant has not been reported in individuals affected with hereditary cancer in the literature. This variant has not been identified in the general population by the Genome Aggregation Database (gnomAD). The available evidence is insufficient to determine the role of this variant in disease conclusively. Therefore, this variant is classified as a Variant of Uncertain Significance.

GeneDx
Classification: Uncertain significance. Last evaluated: 2020-02-21. Review status: criteria provided, single submitter. Criteria: GeneDx Variant Classification Process June 2021. Collection method: clinical testing. Allele origin: germline. Affected: yes.
Comment: Not observed in large population cohorts (Lek 2016); In silico analysis supports that this missense variant does not alter protein structure/function; Has not been previously published as pathogenic or benign to our knowledge

Ambry Genetics
Classification: Uncertain significance for Hereditary cancer-predisposing syndrome. Last evaluated: 2019-01-23. Review status: criteria provided, single submitter. Criteria: Ambry Variant Classification Scheme 2023. Collection method: clinical testing. Allele origin: germline.
Comment: The p.K577E variant (also known as c.1729A>G), located in coding exon 11 of the BRIP1 gene, results from an A to G substitution at nucleotide position 1729. The lysine at codon 577 is replaced by glutamic acid, an amino acid with similar properties. This amino acid position is not well conserved in available vertebrate species. In addition, this alteration is predicted to be tolerated by in silico analysis. Since supporting evidence is limited at this time, the clinical significance of this alteration remains unclear.